The following is an entry in ClinVar:

ClinVar aggregate classification (germline): Pathogenic (0 of 4 stars; one submission).

Conditions:
Spinocerebellar ataxia type 14 (SCA14). Identifiers: Orphanet 98763, MedGen C1854369, MONDO:0011540, OMIM 605361.

Submission:

GeneReviews
Classification: Pathogenic for Spinocerebellar Ataxia Type14. Last evaluated: 2013-04-18. Review status: no assertion criteria provided. Collection method: curation. Allele origin: unknown.
ClinVar note: Converted during submission from pathologic to Pathogenic.

NM_002739.5(PRKCG):c.417C>A (p.His139Gln)

Gene: PRKCG (protein kinase C gamma; plus strand). Cytogenetic location: 19q13.42.
Variant type: single nucleotide variant.
Coding change: c.417C>A on transcript NM_002739.5 (MANE Select); coding-DNA position 417, C replaced by A.
Protein change: p.His139Gln; replaces histidine 139 with glutamine.
Molecular consequence: missense variant.
Genome position (GRCh38, 1-based): chr19:53,889,905, C>A. VCF-style: chr19-53889905-C-A. GRCh37 (hg19) VCF-style: chr19-54393159-C-A.
Other names: c.47c>t; c.417C>A, p.His139Gln (NM_001316329.2); short protein forms H139Q.
Identifiers: ClinVar variation 42171 (VCV000042171.3), dbSNP rs386134169, ClinGen allele CA344646.